The following is an entry in ClinVar:

NM_001655.5(ARCN1):c.511A>G (p.Arg171Gly)

Gene: ARCN1 (archain 1 coat protein complex I subunit delta; plus strand). Cytogenetic location: 11q23.3.
Variant type: single nucleotide variant.
Coding change: c.511A>G on transcript NM_001655.5 (MANE Select); coding-DNA position 511, A replaced by G.
Protein change: p.Arg171Gly; replaces arginine 171 with glycine.
Molecular consequence: missense variant. On other transcripts: non-coding transcript variant (2).
Genome position (GRCh38, 1-based): chr11:118,583,872, A>G. VCF-style: chr11-118583872-A-G. GRCh37 (hg19) VCF-style: chr11-118454587-A-G.
Other names: c.247A>G, p.Arg83Gly (NM_001142281.2, NM_001425081.1); c.511A>G, p.Arg171Gly (NM_001425073.1, NM_001425077.1, NM_001425078.1); c.508A>G, p.Arg170Gly (NM_001425074.1, NM_001425079.1); c.454A>G, p.Arg152Gly (NM_001425075.1); c.442A>G, p.Arg148Gly (NM_001425076.1); c.67A>G, p.Arg23Gly (NM_001425080.1); short protein forms R171G, R152G, R83G, R170G, R148G, R23G.
Identifiers: ClinVar variation 4763377 (VCV004763377.1).

ClinVar aggregate classification (germline): Uncertain significance (1 of 4 stars; one submission).

Submission:

Labcorp Genetics (formerly Invitae), Labcorp
Classification: Uncertain significance. Last evaluated: 2025-02-13. Review status: criteria provided, single submitter. Criteria: Invitae Variant Classification Sherloc (09022015). Collection method: clinical testing. Allele origin: germline.
Comment: This sequence change replaces arginine, which is basic and polar, with glycine, which is neutral and non-polar, at codon 171 of the ARCN1 protein (p.Arg171Gly). This variant is not present in population databases (gnomAD no frequency). This variant has not been reported in the literature in individuals affected with ARCN1-related conditions. An algorithm developed to predict the effect of missense changes on protein structure and function (PolyPhen-2) suggests that this variant is likely to be tolerated. In summary, the available evidence is currently insufficient to determine the role of this variant in disease. Therefore, it has been classified as a Variant of Uncertain Significance.